The following is an entry in ClinVar:

ClinVar aggregate classification (germline): Uncertain significance. Review status: criteria provided, multiple submitters, no conflicts (2 of 4 stars). 2 submissions from 2 submitters: Uncertain significance (2). Last evaluated 2025-07-31.

Conditions:
Inborn genetic diseases. Identifiers: MedGen C0950123, MeSH D030342.

Allele frequency attached by ClinVar (database versions not stated): gnomAD exomes 0.00001 and 0.00002; ExAC 0.00002; gnomAD 0.00003 and 0.00004; TOPMed 0.00006.
gnomAD v4.1: 21 of 1,613,418 alleles (0.0013%); highest among the groups gnomAD compares: Admixed American, 0.015%; no homozygotes.

Submissions (2):

Ambry Genetics
Classification: Uncertain significance for Inborn genetic diseases. Last evaluated: 2025-07-31. Review status: criteria provided, single submitter. Criteria: Ambry Variant Classification Scheme 2023. Collection method: clinical testing. Allele origin: germline.

Labcorp Genetics (formerly Invitae), Labcorp
Classification: Uncertain significance. Last evaluated: 2024-01-23. Review status: criteria provided, single submitter. Criteria: Invitae Variant Classification Sherloc (09022015). Collection method: clinical testing. Allele origin: germline.
Comment: This sequence change replaces alanine, which is neutral and non-polar, with valine, which is neutral and non-polar, at codon 461 of the APC2 protein (p.Ala461Val). This variant is present in population databases (rs758805322, gnomAD 0.01%). This variant has not been reported in the literature in individuals affected with APC2-related conditions. ClinVar contains an entry for this variant (Variation ID: 1360121). Advanced modeling of protein sequence and biophysical properties (such as structural, functional, and spatial information, amino acid conservation, physicochemical variation, residue mobility, and thermodynamic stability) performed at Invitae indicates that this missense variant is expected to disrupt APC2 protein function with a positive predictive value of 80%. In summary, the available evidence is currently insufficient to determine the role of this variant in disease. Therefore, it has been classified as a Variant of Uncertain Significance.

NM_005883.3(APC2):c.1382C>T (p.Ala461Val)

Gene: APC2 (APC regulator of Wnt signaling pathway 2; plus strand). Cytogenetic location: 19p13.3.
Variant type: single nucleotide variant.
Coding change: c.1382C>T on transcript NM_005883.3 (MANE Select); coding-DNA position 1382, C replaced by T.
Protein change: p.Ala461Val; replaces alanine 461 with valine.
Molecular consequence: missense variant.
Genome position (GRCh38, 1-based): chr19:1,460,259, C>T. VCF-style: chr19-1460259-C-T. GRCh37 (hg19) VCF-style: chr19-1460258-C-T.
Other names: c.1382C>T (NM_005883.2); c.1379C>T, p.Ala460Val (NM_001351273.1); short protein forms A460V, A461V.
Identifiers: ClinVar variation 1360121 (VCV001360121.7), dbSNP rs758805322, ClinGen allele CA9045050.